The following is an entry in ClinVar:

NM_173560.4(RFX6):c.504+1G>A

Gene: RFX6 (regulatory factor X6; plus strand). Cytogenetic location: 6q22.1.
Variant type: single nucleotide variant.
Coding change: c.504+1G>A on transcript NM_173560.4 (MANE Select); the canonical splice donor site of the intron after coding-DNA position 504, G replaced by A.
Molecular consequence: splice donor variant.
Genome position (GRCh38, 1-based): chr6:116,880,668, G>A. VCF-style: chr6-116880668-G-A. GRCh37 (hg19) VCF-style: chr6-117201831-G-A.
Identifiers: ClinVar variation 4852354 (VCV004852354.1).

ClinVar aggregate classification (germline): Likely pathogenic (1 of 4 stars; one submission).

Conditions:
Hypoplastic pancreas-intestinal atresia-hypoplastic gallbalder syndrome. Also called: DIABETES, NEONATAL, WITH PANCREATIC HYPOPLASIA, INTESTINAL ATRESIA, AND GALLBLADDER APLASIA OR HYPOPLASIA; Mitchell-Riley syndrome. Identifiers: Orphanet 293864, MedGen C2748662, MONDO:0017400, OMIM 615710.

Submission:

MVZ Medizinische Genetik Mainz
Classification: Likely pathogenic for Hypoplastic pancreas-intestinal atresia-hypoplastic gallbalder syndrome. Last evaluated: 2026-04-24. Review status: criteria provided, single submitter. Criteria: UK Practice Guidelines For Variant Classification V4 01 2020. Collection method: clinical testing. Allele origin: germline. Inheritance: Autosomal dominant inheritance. Observed: 1 variant allele.
Comment: ACMG Criteria: PVS1,PM2_SUP